The following is an entry in ClinVar:

ClinVar aggregate classification (germline): Uncertain significance. Review status: criteria provided, multiple submitters, no conflicts (2 of 4 stars). 3 submissions from 3 submitters: Uncertain significance (3). Last evaluated 2025-11-12.

Conditions:
Inborn genetic diseases. Identifiers: MedGen C0950123, MeSH D030342.

Allele frequency attached by ClinVar (database versions not stated): gnomAD 0.00004 and 0.00005; gnomAD exomes 0.00001; TOPMed 0.00003; ESP Exome Variant Server 0.00008; ExAC 0.00001.

Submissions (3):

Ambry Genetics
Classification: Uncertain significance for Inborn genetic diseases. Last evaluated: 2025-11-12. Review status: criteria provided, single submitter. Criteria: Ambry Variant Classification Scheme 2023. Collection method: clinical testing. Allele origin: germline.

GeneDx
Classification: Uncertain significance. Last evaluated: 2025-07-07. Review status: criteria provided, single submitter. Criteria: GeneDx Variant Classification Process June 2021. Collection method: clinical testing. Allele origin: germline.
Comment: In silico analysis suggests that this missense variant does not alter protein structure/function; Has not been previously published as pathogenic or benign to our knowledge

Labcorp Genetics (formerly Invitae), Labcorp
Classification: Uncertain significance. Last evaluated: 2023-08-19. Review status: criteria provided, single submitter. Criteria: Invitae Variant Classification Sherloc (09022015). Collection method: clinical testing. Allele origin: germline.
Comment: In summary, the available evidence is currently insufficient to determine the role of this variant in disease. Therefore, it has been classified as a Variant of Uncertain Significance. Advanced modeling of protein sequence and biophysical properties (such as structural, functional, and spatial information, amino acid conservation, physicochemical variation, residue mobility, and thermodynamic stability) performed at Invitae indicates that this missense variant is not expected to disrupt CEACAM16 protein function. ClinVar contains an entry for this variant (Variation ID: 1699882). This variant has not been reported in the literature in individuals affected with CEACAM16-related conditions. The frequency data for this variant in the population databases is considered unreliable, as metrics indicate poor data quality at this position in the gnomAD database. This sequence change replaces arginine, which is basic and polar, with cysteine, which is neutral and slightly polar, at codon 88 of the CEACAM16 protein (p.Arg88Cys).

NM_001039213.4(CEACAM16):c.262C>T (p.Arg88Cys)

Genes: CEACAM16 (CEA cell adhesion molecule 16, tectorial membrane component; plus strand), CEACAM16-AS1 (CEACAM16, CEACAM19 and PVR antisense RNA 1; minus strand). Cytogenetic location: 19q13.32.
Variant type: single nucleotide variant.
Coding change: c.262C>T on transcript NM_001039213.4 (MANE Select); coding-DNA position 262, C replaced by T.
Protein change: p.Arg88Cys; replaces arginine 88 with cysteine.
Molecular consequence: missense variant.
Genome position (GRCh38, 1-based): chr19:44,703,573, C>T. VCF-style: chr19-44703573-C-T. GRCh37 (hg19) VCF-style: chr19-45206843-C-T.
Other names: c.262C>T (NM_001039213.2); short protein forms R88C.
Identifiers: ClinVar variation 1699882 (VCV001699882.7), dbSNP rs373543716, ClinGen allele CA9502997.
Genomic context (GRCh38, chr19:44,703,573, plus strand): 5'-TACATCGTGAGCACAGGCGATGAGACTCCTGGCCCGGCCCACACGGGGCGGGAGGCTGTG[C>T]GCCCCGATGGCAGCCTGGACATCCAGGGCATCCTGCCCCGGCACTCAGGCACCTACATCC-3'
Protein context (NP_001034302.2, residues 78-98): GPAHTGREAV[Arg88Cys]PDGSLDIQGI